The following is an entry in ClinVar:

ClinVar aggregate classification (germline): Uncertain significance. Review status: criteria provided, multiple submitters, no conflicts (2 of 4 stars). 2 submissions from 2 submitters: Uncertain significance (2). Last evaluated 2024-09-25.

Conditions:
Anauxetic dysplasia. Identifiers: Orphanet 93347, MedGen C1846796, MONDO:0011773.

Allele frequency attached by ClinVar (database versions not stated): TOPMed below 0.00001.

Submissions (2):

Women's Health and Genetics/Laboratory Corporation of America, LabCorp
Classification: Uncertain significance. Last evaluated: 2024-09-25. Review status: criteria provided, single submitter. Criteria: LabCorp Variant Classification Summary - May 2015. Collection method: clinical testing. Allele origin: germline.
Comment: Variant summary: RMRP n.65T>C alters a nucleotide in the non-coding RNA. The variant was absent in 130472 control chromosomes. The available data on variant occurrences in the general population are insufficient to allow any conclusion about variant significance. n.65T>C has been reported in the literature in at least one compound heterozygous individual affected with Cartilage-Hair Hypoplasia (Bonafe_2005). These report(s) do not provide unequivocal conclusions about association of the variant with Cartilage-Hair Hypoplasia. To our knowledge, no experimental evidence demonstrating an impact on protein function has been reported. The following publication has been ascertained in the context of this evaluation (PMID: 16244706). ClinVar contains an entry for this variant (Variation ID: 2136773). Based on the evidence outlined above, the variant was classified as uncertain significance.

Labcorp Genetics (formerly Invitae), Labcorp
Classification: Uncertain significance for Anauxetic dysplasia. Last evaluated: 2021-09-01. Review status: criteria provided, single submitter. Criteria: Invitae Variant Classification Sherloc (09022015). Collection method: clinical testing. Allele origin: germline.
Comment: This variant occurs in the RMRP gene, which encodes an RNA molecule that does not result in a protein product. The frequency data for this variant in the population databases is considered unreliable, as metrics indicate insufficient coverage at this position in the ExAC database. This variant has been observed in individual(s) with RMRP-related conditions (PMID: 16244706). This variant is also known as g.64T>C. Experimental studies and prediction algorithms are not available or were not evaluated, and the functional significance of this variant is currently unknown. In summary, the available evidence is currently insufficient to determine the role of this variant in disease. Therefore, it has been classified as a Variant of Uncertain Significance.

Literature cited by the submitters: PubMed 16244706 (cited by Women's Health and Genetics/Laboratory Corporation of America, LabCorp and Labcorp Genetics (formerly Invitae), Labcorp).

NR_003051.4(RMRP):n.66T>C

Gene: RMRP (RNA component of mitochondrial RNA processing endoribonuclease; minus strand). Cytogenetic location: 9p13.3.
Variant type: single nucleotide variant.
Genome position: GRCh38 VCF-style: chr9-35657954-A-G. GRCh37 (hg19) VCF-style: chr9-35657951-A-G.
Identifiers: ClinVar variation 2136773 (VCV002136773.2), dbSNP rs1357036842, ClinGen allele CA464450897.